The following is an entry in ClinVar:

NM_002772.3(TMPRSS15):c.1958G>C (p.Gly653Ala)

Gene: TMPRSS15 (transmembrane serine protease 15; minus strand). Cytogenetic location: 21q21.1.
Variant type: single nucleotide variant.
Coding change: c.1958G>C on transcript NM_002772.3 (MANE Select); coding-DNA position 1958, G replaced by C.
Protein change: p.Gly653Ala; replaces glycine 653 with alanine.
Molecular consequence: missense variant.
Genome position (GRCh38, 1-based): chr21:18,315,220, C>G on the plus strand (G>C on the coding strand, the complement: TMPRSS15 is on the minus strand). VCF-style: chr21-18315220-C-G. GRCh37 (hg19) VCF-style: chr21-19687537-C-G.
Other names: c.1958G>C (NM_002772.2); short protein forms G653A.
Identifiers: ClinVar variation 2119100 (VCV002119100.3), dbSNP rs201326949, ClinGen allele CA318102892.

ClinVar aggregate classification (germline): Uncertain significance. Review status: criteria provided, multiple submitters, no conflicts (2 of 4 stars). 2 submissions from 2 submitters: Uncertain significance (2). Last evaluated 2024-01-03.

Allele frequency attached by ClinVar (database versions not stated): gnomAD 0.00001; TOPMed 0.00001.
gnomAD v4.1: 4 of 1,613,772 alleles (0.00025%); highest among the groups gnomAD compares: Admixed American, 0.0017%; no homozygotes.

Submissions (2):

Ambry Genetics
Classification: Uncertain significance. Last evaluated: 2024-01-03. Review status: criteria provided, single submitter. Criteria: Ambry Variant Classification Scheme 2023. Collection method: clinical testing. Allele origin: germline.

Labcorp Genetics (formerly Invitae), Labcorp
Classification: Uncertain significance. Last evaluated: 2022-03-28. Review status: criteria provided, single submitter. Criteria: Invitae Variant Classification Sherloc (09022015). Collection method: clinical testing. Allele origin: germline.
Comment: In summary, the available evidence is currently insufficient to determine the role of this variant in disease. Therefore, it has been classified as a Variant of Uncertain Significance. Algorithms developed to predict the effect of missense changes on protein structure and function are either unavailable or do not agree on the potential impact of this missense change (SIFT: "Not Available"; PolyPhen-2: "Probably Damaging"; Align-GVGD: "Not Available"). This variant has not been reported in the literature in individuals affected with TMPRSS15-related conditions. This variant is present in population databases (rs201326949, gnomAD 0.003%). This sequence change replaces glycine, which is neutral and non-polar, with alanine, which is neutral and non-polar, at codon 653 of the TMPRSS15 protein (p.Gly653Ala).